The following is an entry in ClinVar:

ClinVar aggregate classification (germline): Uncertain significance (1 of 4 stars; one submission).

Conditions:
Developmental and epileptic encephalopathy, 23 (DEE23). Also called: Epileptic encephalopathy, early infantile, 23. Identifiers: Orphanet 411986, MedGen C4014492, MONDO:0014371, OMIM 615859.

Submission:

Labcorp Genetics (formerly Invitae), Labcorp
Classification: Uncertain significance for Developmental and epileptic encephalopathy, 23. Last evaluated: 2022-06-15. Review status: criteria provided, single submitter. Criteria: Invitae Variant Classification Sherloc (09022015). Collection method: clinical testing. Allele origin: germline.
Comment: This sequence change replaces aspartic acid, which is acidic and polar, with valine, which is neutral and non-polar, at codon 594 of the DOCK7 protein (p.Asp594Val). This variant is not present in population databases (gnomAD no frequency). This variant has not been reported in the literature in individuals affected with DOCK7-related conditions. Algorithms developed to predict the effect of missense changes on protein structure and function are either unavailable or do not agree on the potential impact of this missense change (SIFT: "Tolerated"; PolyPhen-2: "Possibly Damaging"; Align-GVGD: "Class C0"). In summary, the available evidence is currently insufficient to determine the role of this variant in disease. Therefore, it has been classified as a Variant of Uncertain Significance.

NM_001367561.1(DOCK7):c.1781A>T (p.Asp594Val)

Gene: DOCK7 (dedicator of cytokinesis 7; minus strand). Cytogenetic location: 1p31.3.
Variant type: single nucleotide variant.
Coding change: c.1781A>T on transcript NM_001367561.1 (MANE Select); coding-DNA position 1781, A replaced by T.
Protein change: p.Asp594Val; replaces aspartic acid 594 with valine.
Molecular consequence: missense variant.
Genome position (GRCh38, 1-based): chr1:62,586,526, T>A on the plus strand (A>T on the coding strand, the complement: DOCK7 is on the minus strand). VCF-style: chr1-62586526-T-A. GRCh37 (hg19) VCF-style: chr1-63052197-T-A.
Other names: c.1781A>T, p.Asp594Val (NM_001271999.2, NM_001272000.2, NM_001272001.2 and 3 more transcripts); short protein forms D594V.
Identifiers: ClinVar variation 2007124 (VCV002007124.4), dbSNP rs2525637763, ClinGen allele CA340629884.